The following is an entry in ClinVar:

ClinVar aggregate classification (germline): Uncertain significance. Review status: criteria provided, multiple submitters, no conflicts (2 of 4 stars). 2 submissions from 2 submitters: Uncertain significance (2). Last evaluated 2024-11-19.

Conditions:
Inborn genetic diseases. Identifiers: MedGen C0950123, MeSH D030342.
Xeroderma pigmentosum, group F (XPF). Also called: XERODERMA PIGMENTOSUM, COMPLEMENTATION GROUP F; XERODERMA PIGMENTOSUM VI; XP, GROUP F; XERODERMA PIGMENTOSUM, TYPE F; Xeroderma pigmentosum, type 6; ERCC4-Related Xeroderma Pigmentosum. Identifiers: MedGen C0268140, MONDO:0010215, OMIM 278760.
Cockayne syndrome. Identifiers: Orphanet 191, MedGen C0009207, MONDO:0016006.
Fanconi anemia complementation group Q. Identifiers: Orphanet 84, MedGen C3808988, MONDO:0014108, OMIM 615272.

Submissions (2):

Ambry Genetics
Classification: Uncertain significance for Inborn genetic diseases. Last evaluated: 2024-11-19. Review status: criteria provided, single submitter. Criteria: Ambry Variant Classification Scheme 2023. Collection method: clinical testing. Allele origin: germline.

Labcorp Genetics (formerly Invitae), Labcorp
Classification: Uncertain significance for Fanconi anemia complementation group Q; Xeroderma pigmentosum, group F; Cockayne syndrome. Last evaluated: 2024-06-25. Review status: criteria provided, single submitter. Criteria: Invitae Variant Classification Sherloc (09022015). Collection method: clinical testing. Allele origin: germline.
Comment: This sequence change replaces methionine, which is neutral and non-polar, with isoleucine, which is neutral and non-polar, at codon 12 of the ERCC4 protein (p.Met12Ile). This variant is not present in population databases (gnomAD no frequency). This variant has not been reported in the literature in individuals affected with ERCC4-related conditions. An algorithm developed to predict the effect of missense changes on protein structure and function (PolyPhen-2) suggests that this variant is likely to be tolerated. In summary, the available evidence is currently insufficient to determine the role of this variant in disease. Therefore, it has been classified as a Variant of Uncertain Significance.

NM_005236.3(ERCC4):c.36G>A (p.Met12Ile)

Genes: ERCC4 (ERCC excision repair 4, endonuclease catalytic subunit; plus strand), LOC130058543 (ATAC-STARR-seq lymphoblastoid active region 10486; plus strand). Cytogenetic location: 16p13.12.
Variant type: single nucleotide variant.
Coding change: c.36G>A on transcript NM_005236.3 (MANE Select); coding-DNA position 36, G replaced by A.
Protein change: p.Met12Ile; replaces methionine 12 with isoleucine.
Molecular consequence: missense variant.
Genome position (GRCh38, 1-based): chr16:13,920,201, G>A. VCF-style: chr16-13920201-G-A. GRCh37 (hg19) VCF-style: chr16-14014058-G-A.
Other names: short protein forms M12I.
Identifiers: ClinVar variation 3509924 (VCV003509924.3).